The following is an entry in ClinVar:

NM_001267550.2(TTN):c.67664del (p.Leu22555fs)

Genes: TTN (titin; minus strand), TTN-AS1 (TTN antisense RNA 1; plus strand), LOC126806423 (CDK7 strongly-dependent group 2 enhancer GRCh37_chr2:179443309-179444508; plus strand). Cytogenetic location: 2q31.2.
Variant type: Deletion.
Coding change: c.67664del on transcript NM_001267550.2 (MANE Select); coding-DNA position 67664, one base deleted (T; older notation c.67664delT).
Protein change: p.Leu22555fs; shifts the reading frame from leucine 22555.
Molecular consequence: frameshift variant.
Genome position (GRCh38, 1-based): chr2:178,579,366, A deleted on the plus strand (T on the coding strand, the reverse complement: TTN is on the minus strand). VCF-style (leftmost placement, unchanged base first): chr2-178579365-TA-T. GRCh37 (hg19) VCF-style: chr2-179444092-TA-T.
Other names: c.62741del, p.Leu20914fs (NM_001256850.1); c.40469del, p.Leu13490fs (NM_003319.4); c.59960del, p.Leu19987fs (NM_133378.4); c.40844del, p.Leu13615fs (NM_133432.3); c.41045del, p.Leu13682fs (NM_133437.4); c.40469delT (NM_003319.4); short protein forms L13490fs, L13615fs, L13682fs, L19987fs, L20914fs, L22555fs.
Identifiers: ClinVar variation 4866173 (VCV004866173.1).

ClinVar aggregate classification (germline): Likely pathogenic (1 of 4 stars; one submission).

Conditions:
Cardiovascular phenotype. Identifiers: MedGen CN230736.

Submission:

Ambry Genetics
Classification: Likely pathogenic for Cardiovascular phenotype. Last evaluated: 2026-03-25. Review status: criteria provided, single submitter. Criteria: Ambry Variant Classification Scheme 2023. Collection method: clinical testing. Allele origin: germline.
Comment: The c.40469delT variant, located in coding exon 147 of the TTN gene, results from a deletion of one nucleotide at nucleotide position 40469, causing a translational frameshift with a predicted alternate stop codon (p.L13490Hfs*20). This exon is located in the A-band region of the N2-B isoform of the titin protein and is constitutively expressed in TTN transcripts (percent spliced in or PSI 100%). This variant is considered to be rare based on population cohorts in the Genome Aggregation Database (gnomAD). This variant is expected to result in loss of function by premature protein truncation or nonsense-mediated mRNA decay. While truncating variants in TTN are present in 1-3% of the general population, truncating variants in the A-band are the most common cause of dilated cardiomyopathy (Herman DS et al. N. Engl. J. Med., 2012 Feb;366:619-28; Roberts AM et al. Sci Transl Med, 2015 Jan;7:270ra6). TTN truncating variants encoded in constitutive exons (PSI >90%) have been found to be significantly associated with DCM regardless of their position in titin (Schafer S et al. Nat. Genet., 2017 01;49:46-53; Akhtar MM et al. Circ Heart Fail, 2020 Oct;13:e006832; Massier M et al. Clin Genet, 2025 Jan). Based on the majority of available evidence to date, this variant is likely to be pathogenic.